The following is an entry in ClinVar:

NM_198576.4(AGRN):c.1064C>T (p.Pro355Leu)

Gene: AGRN (agrin; plus strand). Cytogenetic location: 1p36.33.
Variant type: single nucleotide variant.
Coding change: c.1064C>T on transcript NM_198576.4 (MANE Select); coding-DNA position 1064, C replaced by T.
Protein change: p.Pro355Leu; replaces proline 355 with leucine.
Molecular consequence: missense variant.
Genome position (GRCh38, 1-based): chr1:1,041,589, C>T. VCF-style: chr1-1041589-C-T. GRCh37 (hg19) VCF-style: chr1-976969-C-T.
Other names: c.1064C>T, p.Pro355Leu (NM_001305275.2); c.749C>T, p.Pro250Leu (NM_001364727.2); short protein forms P355L, P250L.
Identifiers: ClinVar variation 1362948 (VCV001362948.8), dbSNP rs2100635172, ClinGen allele CA337826894.

ClinVar aggregate classification (germline): Uncertain significance (1 of 4 stars; one submission).

Conditions:
Congenital myasthenic syndrome 8. Also called: MYASTHENIC SYNDROME, CONGENITAL, DUE TO AGRIN DEFICIENCY; Myasthenic syndrome, congenital, 8, with pre- and postsynaptic defects. Identifiers: Orphanet 590, MedGen C3808739, MONDO:0014052, OMIM 615120.

Submission:

Labcorp Genetics (formerly Invitae), Labcorp
Classification: Uncertain significance for Congenital myasthenic syndrome 8. Last evaluated: 2021-07-09. Review status: criteria provided, single submitter. Criteria: Invitae Variant Classification Sherloc (09022015). Collection method: clinical testing. Allele origin: germline.
Comment: In summary, the available evidence is currently insufficient to determine the role of this variant in disease. Therefore, it has been classified as a Variant of Uncertain Significance. Algorithms developed to predict the effect of missense changes on protein structure and function are either unavailable or do not agree on the potential impact of this missense change (SIFT: "Deleterious"; PolyPhen-2: "Possibly Damaging"; Align-GVGD: "Class C0"). This variant has not been reported in the literature in individuals affected with AGRN-related conditions. This variant is not present in population databases (ExAC no frequency). This sequence change replaces proline with leucine at codon 355 of the AGRN protein (p.Pro355Leu). The proline residue is highly conserved and there is a moderate physicochemical difference between proline and leucine.